The following is an entry in ClinVar:

ClinVar aggregate classification (germline): Likely benign. Review status: criteria provided, multiple submitters, no conflicts (2 of 4 stars). 5 submissions from 5 submitters: Likely benign (5). Last evaluated 2024-09-18.

Conditions:
Hereditary diffuse gastric adenocarcinoma (HDGC). Also called: DIFFUSE GASTRIC AND LOBULAR BREAST CANCER SYNDROME. Identifiers: Orphanet 26106, MedGen C1708349, MONDO:0007648, OMIM 137215.
Hereditary cancer-predisposing syndrome. Also called: Neoplastic Syndromes, Hereditary; Hereditary neoplastic syndrome; Tumor predisposition; Hereditary Cancer Syndrome. Identifiers: Orphanet 140162, MedGen C0027672, MeSH D009386, MONDO:0015356.

Submissions (5):

Myriad Genetics, Inc.
Classification: Likely benign for Hereditary diffuse gastric adenocarcinoma. Last evaluated: 2024-09-18. Review status: criteria provided, single submitter. Criteria: Myriad Autosomal Dominant, Autosomal Recessive and X-Linked Classification Criteria (2023). Collection method: clinical testing. Allele origin: unknown.
Comment: This variant is considered likely benign. This variant is intronic and is not expected to impact mRNA splicing.

Labcorp Genetics (formerly Invitae), Labcorp
Classification: Likely benign for Hereditary diffuse gastric adenocarcinoma. Last evaluated: 2023-12-08. Review status: criteria provided, single submitter. Criteria: Invitae Variant Classification Sherloc (09022015). Collection method: clinical testing. Allele origin: germline.

Ambry Genetics
Classification: Likely benign for Hereditary cancer-predisposing syndrome. Last evaluated: 2020-03-28. Review status: criteria provided, single submitter. Criteria: Ambry Variant Classification Scheme 2023. Collection method: clinical testing. Allele origin: germline.

Color Diagnostics, LLC DBA Color Health
Classification: Likely benign for Hereditary cancer-predisposing syndrome. Last evaluated: 2016-12-06. Review status: criteria provided, single submitter. Criteria: ACMG Guidelines, 2015. Collection method: clinical testing. Allele origin: germline.

GeneDx
Classification: Likely benign. Last evaluated: 2016-10-25. Review status: criteria provided, single submitter. Criteria: GeneDx Variant Classification (06012015). Collection method: clinical testing. Allele origin: germline. Affected: yes.
Comment: This variant is considered likely benign or benign based on one or more of the following criteria: it is a conservative change, it occurs at a poorly conserved position in the protein, it is predicted to be benign by multiple in silico algorithms, and/or has population frequency not consistent with disease.

NM_004360.5(CDH1):c.1321-5T>C

Gene: CDH1 (cadherin 1; plus strand). Cytogenetic location: 16q22.1.
Variant type: single nucleotide variant.
Coding change: c.1321-5T>C on transcript NM_004360.5 (MANE Select); 5 bases into the intron before coding-DNA position 1321, T replaced by C.
Molecular consequence: intron variant.
Genome position (GRCh38, 1-based): chr16:68,815,510, T>C. VCF-style: chr16-68815510-T-C. GRCh37 (hg19) VCF-style: chr16-68849413-T-C.
Other names: c.1321-5T>C (LRG_301t1); c.-228-5T>C (NM_001317185.2); c.-499-5T>C (NM_001317186.2); c.1138-5T>C (NM_001317184.2).
Identifiers: ClinVar variation 384966 (VCV000384966.18), dbSNP rs1057522088, ClinGen allele CA16607057.